The following is an entry in ClinVar:

ClinVar aggregate classification (germline): Likely pathogenic (1 of 4 stars; one submission).

Conditions:
Charcot-Marie-Tooth disease type 2. Also called: Charcot-Marie-Tooth type 2. Identifiers: Orphanet 64746, MedGen C0270914, MONDO:0018993.

Submission:

Labcorp Genetics (formerly Invitae), Labcorp
Classification: Likely pathogenic for Charcot-Marie-Tooth disease type 2. Last evaluated: 2020-01-07. Review status: criteria provided, single submitter. Criteria: Invitae Variant Classification Sherloc (09022015). Collection method: clinical testing. Allele origin: germline.
Comment: In summary, the currently available evidence indicates that the variant is pathogenic, but additional data are needed to prove that conclusively. Therefore, this variant has been classified as Likely Pathogenic. This variant disrupts the p.Glu345 amino acid residue in GARS. Other variant(s) that disrupt this residue have been observed in individuals with GARS-related conditions (PMID: 28708278), which suggests that this may be a clinically significant amino acid residue. Algorithms developed to predict the effect of missense changes on protein structure and function (SIFT, PolyPhen-2, Align-GVGD) all suggest that this variant is likely to be disruptive, but these predictions have not been confirmed by published functional studies and their clinical significance is uncertain. This variant has been observed in individual(s) with Charcot-Marie-Tooth disease (Invitae). It has also been observed to segregate with disease in related individuals. ClinVar contains an entry for this variant (Variation ID: 543246). This variant is not present in population databases (ExAC no frequency). This sequence change replaces glutamic acid with glycine at codon 345 of the GARS protein (p.Glu345Gly). The glutamic acid residue is highly conserved and there is a moderate physicochemical difference between glutamic acid and glycine.

Literature cited by the submitters: PubMed 28708278.

NM_002047.4(GARS1):c.1034A>G (p.Glu345Gly)

Gene: GARS1 (glycyl-tRNA synthetase 1; plus strand). Cytogenetic location: 7p14.3.
Variant type: single nucleotide variant.
Coding change: c.1034A>G on transcript NM_002047.4 (MANE Select); coding-DNA position 1034, A replaced by G.
Protein change: p.Glu345Gly; replaces glutamic acid 345 with glycine.
Molecular consequence: missense variant.
Genome position (GRCh38, 1-based): chr7:30,615,898, A>G. VCF-style: chr7-30615898-A-G. GRCh37 (hg19) VCF-style: chr7-30655514-A-G.
Other names: c.1034A>G (LRG_243t1); c.872A>G, p.Glu291Gly (NM_001316772.1); short protein forms E345G, E291G.
Identifiers: ClinVar variation 543246 (VCV000543246.11), dbSNP rs1554338641, ClinGen allele CA367125926.